The following is an entry in ClinVar:

ClinVar aggregate classification (germline): Uncertain significance. Review status: criteria provided, multiple submitters, no conflicts (2 of 4 stars). 4 submissions from 4 submitters: Uncertain significance (3). 1 of the submissions does not count toward it. Last evaluated 2025-04-07.

Conditions:
Hereditary cancer-predisposing syndrome. Also called: Tumor predisposition; Hereditary neoplastic syndrome; Neoplastic Syndromes, Hereditary; Hereditary Cancer Syndrome. Identifiers: Orphanet 140162, MedGen C0027672, MeSH D009386, MONDO:0015356.
Multiple endocrine neoplasia, type 2 (MEN2). Identifiers: Orphanet 653, MedGen C4048306, MONDO:0019003. Disease mechanism: gain of function.
Multiple endocrine neoplasia type 2A. Also called: MULTIPLE ENDOCRINE NEOPLASIA, TYPE IIA; PTC SYNDROME; SIPPLE SYNDROME; MEN 2A; MEN-2A syndrome; Pheochromocytoma and amyloid producing medullary thyroid carcinoma. Identifiers: Orphanet 247698, Orphanet 653, MedGen C0025268, MeSH D018813, MONDO:0008234, OMIM 171400.

Submissions (4):

Labcorp Genetics (formerly Invitae), Labcorp
Classification: Uncertain significance for Multiple endocrine neoplasia, type 2. Last evaluated: 2025-04-07. Review status: criteria provided, single submitter. Criteria: Invitae Variant Classification Sherloc (09022015). Collection method: clinical testing. Allele origin: germline.
Comment: This sequence change replaces serine, which is neutral and polar, with cysteine, which is neutral and slightly polar, at codon 811 of the RET protein (p.Ser811Cys). This variant is not present in population databases (gnomAD no frequency). This missense change has been observed in individual(s) with breast cancer (PMID: 35264596, 35534704, 35957908). ClinVar contains an entry for this variant (Variation ID: 135179). An algorithm developed to predict the effect of missense changes on protein structure and function (PolyPhen-2) suggests that this variant is likely to be disruptive. In summary, the available evidence is currently insufficient to determine the role of this variant in disease. Therefore, it has been classified as a Variant of Uncertain Significance.

Ambry Genetics
Classification: Uncertain significance for Hereditary cancer-predisposing syndrome. Last evaluated: 2024-02-29. Review status: criteria provided, single submitter. Criteria: Ambry Variant Classification Scheme 2023. Collection method: clinical testing. Allele origin: germline.
Comment: The p.S811C variant (also known as c.2432C>G), located in coding exon 14 of the RET gene, results from a C to G substitution at nucleotide position 2432. The serine at codon 811 is replaced by cysteine, an amino acid with dissimilar properties. This amino acid position is highly conserved in available vertebrate species. In addition, this alteration is predicted to be deleterious by in silico analysis. Based on the available evidence, the clinical significance of this alteration remains unclear.

Mendelics
Classification: Uncertain significance for Multiple endocrine neoplasia, type 2a. Last evaluated: 2018-07-02. Review status: criteria provided, single submitter. Criteria: Mendelics Assertion Criteria 2017. Collection method: clinical testing. Allele origin: unknown.

ITMI
No classification provided. Condition: AllHighlyPenetrant. Last evaluated: 2013-09-19. Review status: no classification provided. Collection method: reference population. Allele origin: germline. Not counted in ClinVar's aggregate classification.
Comment: Please see associated publication for description of ethnicities

Literature cited by the submitters: PubMed 35264596 (cited by Labcorp Genetics (formerly Invitae), Labcorp); PubMed 35534704 (cited by Labcorp Genetics (formerly Invitae), Labcorp); PubMed 35957908 (cited by Labcorp Genetics (formerly Invitae), Labcorp); PubMed 24728327 (cited by ITMI).

NM_020975.6(RET):c.2432C>G (p.Ser811Cys)

Gene: RET (ret proto-oncogene; plus strand). Cytogenetic location: 10q11.21.
Variant type: single nucleotide variant.
Coding change: c.2432C>G on transcript NM_020975.6 (MANE Select); coding-DNA position 2432, C replaced by G.
Protein change: p.Ser811Cys; replaces serine 811 with cysteine.
Molecular consequence: missense variant.
Genome position (GRCh38, 1-based): chr10:43,119,570, C>G. VCF-style: chr10-43119570-C-G. GRCh37 (hg19) VCF-style: chr10-43615018-C-G.
Other names: c.2432C>G, p.Ser811Cys (NM_000323.2, NM_001406743.1, NM_001406744.1 and 4 more transcripts); c.1670C>G, p.Ser557Cys (NM_001355216.2); c.2303C>G, p.Ser768Cys (NM_001406761.1, NM_001406762.1, NM_001406764.1); c.2297C>G, p.Ser766Cys (NM_001406763.1, NM_001406765.1); c.2144C>G, p.Ser715Cys (NM_001406766.1, NM_001406767.1, NM_001406770.1); c.2168C>G, p.Ser723Cys (NM_001406768.1); c.2036C>G, p.Ser679Cys (NM_001406769.1, NM_001406772.1); c.1994C>G, p.Ser665Cys (NM_001406771.1, NM_001406773.1); and 10 more; short protein forms S811C, S557C, S376C, S472C, S512C, S723C, S416C, S467C.
Identifiers: ClinVar variation 135179 (VCV000135179.18), dbSNP rs587778657, ClinGen allele CA008787.
Genomic context (GRCh38, chr10:43,119,570, plus strand): 5'-GCCCCCTCTCTCCGCCCCCAGGCCCGCTCCTCCTCATCGTGGAGTACGCCAAATACGGCT[C>G]CCTGCGGGGCTTCCTCCGCGAGAGCCGCAAAGTGGGGCCTGGCTACCTGGGCAGTGGAGG-3'
Protein context (NP_066124.1, residues 801-821): LLIVEYAKYG[Ser811Cys]LRGFLRESRK